The following is an entry in ClinVar:

ClinVar aggregate classification (germline): Uncertain significance (1 of 4 stars; one submission).

gnomAD v4.1: 1 of 1,613,734 alleles (0.000062%); highest among the groups gnomAD compares: Admixed American, 0.0017%; no homozygotes.

Submission:

Ambry Genetics
Classification: Uncertain significance. Last evaluated: 2026-09-02. Review status: criteria provided, single submitter. Criteria: Ambry Variant Classification Scheme 2023. Collection method: clinical testing. Allele origin: germline.
Comment: The c.1140A>G (p.I380M) alteration is located in exon 4 (coding exon 4) of the ZNF804B gene. This alteration results from a A to G substitution at nucleotide position 1140, causing the isoleucine (I) at amino acid position 380 to be replaced by a methionine (M). Based on data from gnomAD, the G allele has an overall frequency of <0.001% (1/249890) total alleles studied. The highest observed frequency was 0.003% (1/34430) of Latino alleles. Based on insufficient or conflicting evidence, the clinical significance of this alteration remains unclear.

NM_181646.5(ZNF804B):c.1140A>G (p.Ile380Met)

Gene: ZNF804B (zinc finger protein 804B; plus strand). Cytogenetic location: 7q21.13.
Variant type: single nucleotide variant.
Coding change: c.1140A>G on transcript NM_181646.5 (MANE Select); coding-DNA position 1140, A replaced by G.
Protein change: p.Ile380Met; replaces isoleucine 380 with methionine.
Molecular consequence: missense variant.
Genome position (GRCh38, 1-based): chr7:89,334,122, A>G. VCF-style: chr7-89334122-A-G. GRCh37 (hg19) VCF-style: chr7-88963436-A-G.
Other names: short protein forms I380M.
Identifiers: ClinVar variation 5032303 (VCV005032303.1).